The following is an entry in ClinVar:

ClinVar aggregate classification (germline): Uncertain significance (1 of 4 stars; one submission).

Allele frequency attached by ClinVar (database versions not stated): ESP Exome Variant Server 0.00054; gnomAD exomes 0.00005; ExAC 0.00015; 1000 Genomes Project 0.00020; 1000 Genomes Project 30x 0.00047; TOPMed 0.00063; gnomAD 0.00055.
gnomAD v4.1: 161 of 1,614,136 alleles (0.01%); highest among the groups gnomAD compares: African/African-American, 0.19%; no homozygotes.

Submission:

Ambry Genetics
Classification: Uncertain significance. Last evaluated: 2022-09-29. Review status: criteria provided, single submitter. Criteria: Ambry Variant Classification Scheme 2023. Collection method: clinical testing. Allele origin: germline.
Comment: The c.245A>C (p.Q82P) alteration is located in exon (coding exon ) of the ASIC2 gene. This alteration results from a A to C substitution at nucleotide position 245, causing the glutamine (Q) at amino acid position 82 to be replaced by a proline (P). Based on insufficient or conflicting evidence, the clinical significance of this alteration remains unclear.

NM_001094.5(ASIC2):c.245A>C (p.Gln82Pro)

Genes: ASIC2 (acid sensing ion channel subunit 2; minus strand), LOC105371735 (uncharacterized LOC105371735; plus strand). Cytogenetic location: 17q12.
Variant type: single nucleotide variant.
Coding change: c.245A>C on transcript NM_001094.5; coding-DNA position 245, A replaced by C.
Protein change: p.Gln82Pro; replaces glutamine 82 with proline.
Molecular consequence: missense variant. On other transcripts: non-coding transcript variant (1).
Genome position (GRCh38, 1-based): chr17:34,156,288, T>G on the plus strand (A>C on the coding strand, the complement: ASIC2 is on the minus strand). VCF-style: chr17-34156288-T-G. GRCh37 (hg19) VCF-style: chr17-32483307-T-G.
Other names: short protein forms Q82P.
Identifiers: ClinVar variation 2365148 (VCV002365148.2), dbSNP rs199748301, ClinGen allele CA8495321.
Genomic context (GRCh38, chr17:34,156,288, plus strand): 5'-AGCCTGGAGAACCGGAAGCCATTCAGGTTACAGAGGGTCACAGCTGGGAAGACCAGGCTT[T>G]GAGCCACCACTTCGTCCACCTTAGTGACATGCTGGTAGGAGAAGTAGTAGGACACCCTCT-3'